The following is an entry in ClinVar:

NM_000631.5(NCF4):c.367del (p.Val123fs)

Genes: NCF4 (neutrophil cytosolic factor 4; plus strand), NCF4-AS1 (NCF4 antisense RNA 1; minus strand). Cytogenetic location: 22q12.3.
Variant type: Deletion.
Coding change: c.367del on transcript NM_000631.5 (MANE Select); coding-DNA position 367, one base deleted (G; older notation c.367delG).
Protein change: p.Val123fs; shifts the reading frame from valine 123.
Molecular consequence: frameshift variant. On other transcripts: non-coding transcript variant (1).
Genome position (GRCh38, 1-based): chr22:36,870,439, G deleted; the last of 3 consecutive G bases (chr22:36,870,437-36,870,439); deleting any one gives the same sequence. VCF-style (leftmost placement, unchanged base first): chr22-36870436-TG-T. GRCh37 (hg19) VCF-style: chr22-37266478-TG-T.
Other names: c.367del, p.Val123fs (NM_013416.4); short protein forms V123fs.
Identifiers: ClinVar variation 2762518 (VCV002762518.3), dbSNP rs2517920041, ClinGen allele CA2697552729.

ClinVar aggregate classification (germline): Pathogenic (1 of 4 stars; one submission).

Conditions:
Granulomatous disease, chronic, autosomal recessive, cytochrome b-positive, type 3. Also called: GRANULOMATOUS DISEASE, CHRONIC, DUE TO NCF4 DEFICIENCY; GRANULOMATOUS DISEASE, CHRONIC, AUTOSOMAL RECESSIVE, 3; CGD, AUTOSOMAL RECESSIVE CYTOCHROME b-POSITIVE, TYPE III; Granulomatous disease, chronic, autosomal recessive, cytochrome b-positive, type III. Identifiers: Orphanet 379, MedGen C3151409, MONDO:0013507, OMIM 613960.

Submission:

Labcorp Genetics (formerly Invitae), Labcorp
Classification: Pathogenic for Granulomatous disease, chronic, autosomal recessive, cytochrome b-positive, type 3. Last evaluated: 2023-09-30. Review status: criteria provided, single submitter. Criteria: Invitae Variant Classification Sherloc (09022015). Collection method: clinical testing. Allele origin: germline.
Comment: This variant has not been reported in the literature in individuals affected with NCF4-related conditions. For these reasons, this variant has been classified as Pathogenic. This sequence change creates a premature translational stop signal (p.Val123Cysfs*2) in the NCF4 gene. It is expected to result in an absent or disrupted protein product. Loss-of-function variants in NCF4 are known to be pathogenic (PMID: 16880254, 19692703, 20167518). This variant is not present in population databases (gnomAD no frequency).

Literature cited by the submitters: PubMed 16880254; PubMed 19692703; PubMed 20167518.